The following is an entry in ClinVar:

ClinVar aggregate classification (germline): Uncertain significance (1 of 4 stars; one submission).

Submission:

GeneDx
Classification: Uncertain significance. Last evaluated: 2024-06-03. Review status: criteria provided, single submitter. Criteria: GeneDx Variant Classification Process June 2021. Collection method: clinical testing. Allele origin: germline. Affected: yes.
Comment: Not observed at significant frequency in large population cohorts (gnomAD); In silico analysis supports that this missense variant has a deleterious effect on protein structure/function; Has not been previously published as pathogenic or benign to our knowledge

NM_194248.3(OTOF):c.5800C>G (p.Leu1934Val)

Gene: OTOF (otoferlin; minus strand). Cytogenetic location: 2p23.3.
Variant type: single nucleotide variant.
Coding change: c.5800C>G on transcript NM_194248.3 (MANE Select); coding-DNA position 5800, C replaced by G.
Protein change: p.Leu1934Val; replaces leucine 1934 with valine.
Molecular consequence: missense variant.
Genome position (GRCh38, 1-based): chr2:26,460,660, G>C on the plus strand (C>G on the coding strand, the complement: OTOF is on the minus strand). VCF-style: chr2-26460660-G-C. GRCh37 (hg19) VCF-style: chr2-26683528-G-C.
Other names: c.5800C>G, p.Leu1934Val (NM_001287489.2); c.3499C>G, p.Leu1167Val (NM_004802.4, NM_194323.3); c.3730C>G, p.Leu1244Val (NM_194322.3); short protein forms L1167V, L1244V, L1934V.
Identifiers: ClinVar variation 3384472 (VCV003384472.1).
Genomic context (GRCh38, chr2:26,460,660, plus strand): 5'-CCTCCAAGAGCCAGAGTGGGGAGGGGCTGGGCCGGCAGGGCACTCACTTGGGTTTCTCTA[G>C]GGGGTCAGGTTCATTGCGGGCCAGGCCCACTGGGTTCTTCTCTGCCTCCTCTGCTGTCAG-3'
Protein context (NP_919224.1, residues 1924-1944): VGLARNEPDP[Leu1934Val]EKPNRPDTSF